The following is an entry in ClinVar:

ClinVar aggregate classification (germline): Uncertain significance. Review status: criteria provided, multiple submitters, no conflicts (2 of 4 stars). 2 submissions from 2 submitters: Uncertain significance (2). Last evaluated 2025-06-16.

Conditions:
Inborn genetic diseases. Identifiers: MedGen C0950123, MeSH D030342.
Nephronophthisis. Also called: Juvenile Nephronophthisis. Identifiers: Orphanet 655, MedGen C0687120, MONDO:0019005, HP:0000090.

Allele frequency attached by ClinVar (database versions not stated): gnomAD 0.00001; gnomAD exomes 0.00001; TOPMed 0.00001; ExAC 0.00002.
gnomAD v4.1: 9 of 1,614,078 alleles (0.00056%); highest among the groups gnomAD compares: African/African-American, 0.0013%; no homozygotes.

Submissions (2):

Ambry Genetics
Classification: Uncertain significance for Inborn genetic diseases. Last evaluated: 2025-06-16. Review status: criteria provided, single submitter. Criteria: Ambry Variant Classification Scheme 2023. Collection method: clinical testing. Allele origin: germline.

Labcorp Genetics (formerly Invitae), Labcorp
Classification: Uncertain significance for Nephronophthisis. Last evaluated: 2021-08-27. Review status: criteria provided, single submitter. Criteria: Invitae Variant Classification Sherloc (09022015). Collection method: clinical testing. Allele origin: germline.
Comment: This sequence change replaces serine with phenylalanine at codon 1023 of the INVS protein (p.Ser1023Phe). The serine residue is weakly conserved and there is a large physicochemical difference between serine and phenylalanine. This variant is present in population databases (rs769993446, ExAC 0.01%). This variant has not been reported in the literature in individuals affected with INVS-related conditions. Algorithms developed to predict the effect of missense changes on protein structure and function (SIFT, PolyPhen-2, Align-GVGD) all suggest that this variant is likely to be tolerated. In summary, the available evidence is currently insufficient to determine the role of this variant in disease. Therefore, it has been classified as a Variant of Uncertain Significance.

NM_014425.5(INVS):c.3068C>T (p.Ser1023Phe)

Gene: INVS (inversin; plus strand). Cytogenetic location: 9q31.1.
Variant type: single nucleotide variant.
Coding change: c.3068C>T on transcript NM_014425.5 (MANE Select); coding-DNA position 3068, C replaced by T.
Protein change: p.Ser1023Phe; replaces serine 1023 with phenylalanine.
Molecular consequence: missense variant. On other transcripts: non-coding transcript variant (1).
Genome position (GRCh38, 1-based): chr9:100,297,987, C>T. VCF-style: chr9-100297987-C-T. GRCh37 (hg19) VCF-style: chr9-103060269-C-T.
Other names: c.2780C>T, p.Ser927Phe (NM_001318381.2); c.2090C>T, p.Ser697Phe (NM_001318382.2); c.3068C>T (NM_014425.2); short protein forms S1023F, S697F, S927F.
Identifiers: ClinVar variation 1430201 (VCV001430201.7), dbSNP rs769993446, ClinGen allele CA5158775.